The following is an entry in ClinVar:

ClinVar aggregate classification (germline): Likely benign. Review status: criteria provided, multiple submitters, no conflicts (2 of 4 stars). 6 submissions from 6 submitters: Likely benign (5). 1 of the submissions does not count toward it. Last evaluated 2026-08-01.

Conditions:
DBH-related disorder. Also called: DBH-related condition.
Orthostatic hypotension 1 (ORTHYP1). Also called: Dopamine beta-hydroxylase deficiency; Orthostatic hypotension 1, due to DBH deficiency; NORADRENALINE DEFICIENCY; NOREPINEPHRINE DEFICIENCY. Identifiers: Orphanet 230, MedGen C4746777, MONDO:0009123, OMIM 223360.

Allele frequency attached by ClinVar (database versions not stated): 1000 Genomes Project 30x 0.00094; 1000 Genomes Project 0.00100; ESP Exome Variant Server 0.00284; gnomAD 0.00340 and 0.00352; gnomAD exomes 0.00342 and 0.00401; TOPMed 0.00351; ExAC 0.00353.
gnomAD v4.1: 6,426 of 1,613,152 alleles (0.4%); highest among the groups gnomAD compares: Middle Eastern, 0.78%; 29 homozygotes.

Submissions (6):

CeGaT Center for Human Genetics Tuebingen
Classification: Likely benign. Last evaluated: 2026-08-01. Review status: criteria provided, single submitter. Criteria: CeGaT Center For Human Genetics Tuebingen Variant Classification Criteria Version 2. Collection method: clinical testing. Allele origin: germline. Affected: yes. Observed: 4 variant alleles.
Comment: DBH: BS2

Labcorp Genetics (formerly Invitae), Labcorp
Classification: Likely benign for Orthostatic hypotension 1. Last evaluated: 2026-02-02. Review status: criteria provided, single submitter. Criteria: Invitae Variant Classification Sherloc (09022015). Collection method: clinical testing. Allele origin: germline.

Blueprint Genetics
Classification: Likely benign. Last evaluated: 2024-11-21. Review status: criteria provided, single submitter. Criteria: ACMG Guidelines, 2015. Collection method: clinical testing. Allele origin: germline.

Illumina Laboratory Services, Illumina
Classification: Likely benign for Orthostatic hypotension 1. Last evaluated: 2018-01-13. Review status: criteria provided, single submitter. Criteria: ICSL Variant Classification Criteria 13 December 2019. Collection method: clinical testing. Allele origin: germline.
Comment: This variant was observed in the ICSL laboratory as part of a predisposition screen in an ostensibly healthy population. It had not been previously curated by ICSL or reported in the Human Gene Mutation Database (HGMD: prior to June 1st, 2018), and was therefore a candidate for classification through an automated scoring system. Utilizing variant allele frequency, disease prevalence and penetrance estimates, and inheritance mode, an automated score was calculated to assess if this variant is too frequent to cause the disease. Based on the score and internal cut-off values, a variant classified as likely benign is not then subjected to further curation. The score for this variant resulted in a classification of likely benign for this disease.

Breakthrough Genomics
Classification: Likely benign. Review status: criteria provided, single submitter. Criteria: ACMG Guidelines, 2015. Collection method: not provided. Allele origin: germline. Inheritance: Autosomal recessive inheritance. Affected: yes.

PreventionGenetics, part of Exact Sciences
Classification: Benign for DBH-related condition. Last evaluated: 2019-05-24. Review status: no assertion criteria provided. Collection method: clinical testing. Allele origin: germline. Not counted in ClinVar's aggregate classification.
Comment: This variant is classified as benign based on ACMG/AMP sequence variant interpretation guidelines (Richards et al. 2015 PMID: 25741868, with internal and published modifications).

NM_000787.4(DBH):c.263G>C (p.Gly88Ala)

Gene: DBH (dopamine beta-hydroxylase; plus strand). Cytogenetic location: 9q34.2.
Variant type: single nucleotide variant.
Coding change: c.263G>C on transcript NM_000787.4 (MANE Select); coding-DNA position 263, G replaced by C.
Protein change: p.Gly88Ala; replaces glycine 88 with alanine.
Molecular consequence: missense variant.
Genome position (GRCh38, 1-based): chr9:133,636,634, G>C. VCF-style: chr9-133636634-G-C. GRCh37 (hg19) VCF-style: chr9-136501756-G-C.
Other names: short protein forms G88A.
Identifiers: ClinVar variation 365634 (VCV000365634.42), dbSNP rs3025380, ClinGen allele CA5312987.
Genomic context (GRCh38, chr9:133,636,634, plus strand): 5'-CCCAGGAGGCCATCCATTTCCAGCTCCTGGTGCGGAGGCTCAAGGCTGGCGTCCTGTTTG[G>C]GATGTCCGACCGTGGCGAGCTTGAGAACGCAGATCTCGTGGTGCTCTGGACCGATGGGGA-3'
Protein context (NP_000778.3, residues 78-98): VRRLKAGVLF[Gly88Ala]MSDRGELENA